The following is an entry in ClinVar:

ClinVar aggregate classification (germline): Uncertain significance (1 of 4 stars; one submission).

Conditions:
Kleefstra syndrome 1 (KLEFS1). Identifiers: Orphanet 261494, MedGen C0795833, MONDO:0027407, OMIM 610253.

Allele frequency attached by ClinVar (database versions not stated): gnomAD exomes below 0.00001; gnomAD 0.00001.
gnomAD v4.1: 3 of 1,613,830 alleles (0.00019%); highest among the groups gnomAD compares: African/African-American, 0.0013%; no homozygotes.

Submission:

Labcorp Genetics (formerly Invitae), Labcorp
Classification: Uncertain significance for Kleefstra syndrome 1. Last evaluated: 2017-06-19. Review status: criteria provided, single submitter. Criteria: Invitae Variant Classification Sherloc (09022015). Collection method: clinical testing. Allele origin: germline.
Comment: This sequence change falls in intron 17 of the EHMT1 gene. It does not directly change the encoded amino acid sequence of the EHMT1 protein, but it affects a nucleotide within the consensus splice site of the intron. This variant is not present in population databases (ExAC no frequency). This variant has not been reported in the literature in individuals with a EHMT1-related disease. Nucleotide substitutions within the consensus splice site are relatively common causes of aberrant splicing (PMID: 17576681, 9536098). Algorithms developed to predict the effect of sequence changes on RNA splicing suggest that this variant may create or strengthen a splice site, but this prediction has not been confirmed by published transcriptional studies. In summary, this variant has uncertain impact on EHMT1 function. The available evidence is currently insufficient to determine its role in disease. Therefore, it has been classified as a Variant of Uncertain Significance.

NM_024757.5(EHMT1):c.2608-3C>T

Gene: EHMT1 (euchromatic histone lysine methyltransferase 1; plus strand). Cytogenetic location: 9q34.3.
Variant type: single nucleotide variant.
Coding change: c.2608-3C>T on transcript NM_024757.5 (MANE Select); 3 bases into the intron before coding-DNA position 2608, C replaced by T.
Molecular consequence: intron variant.
Genome position (GRCh38, 1-based): chr9:137,800,877, C>T. VCF-style: chr9-137800877-C-T. GRCh37 (hg19) VCF-style: chr9-140695329-C-T.
Other names: c.2587-3C>T (NM_001354263.2).
Identifiers: ClinVar variation 462983 (VCV000462983.1), dbSNP rs1231552364, ClinGen allele CA591249515.